The following is an entry in ClinVar:

NM_015330.6(SPECC1L):c.464G>A (p.Arg155His)

Genes: SPECC1L (sperm antigen with calponin homology and coiled-coil domains 1 like; plus strand), SPECC1L-ADORA2A (SPECC1L-ADORA2A readthrough (NMD candidate); plus strand). Cytogenetic location: 22q11.23.
Variant type: single nucleotide variant.
Coding change: c.464G>A on transcript NM_015330.6 (MANE Select); coding-DNA position 464, G replaced by A.
Protein change: p.Arg155His; replaces arginine 155 with histidine.
Molecular consequence: missense variant. On other transcripts: non-coding transcript variant (1).
Genome position (GRCh38, 1-based): chr22:24,321,444, G>A. VCF-style: chr22-24321444-G-A. GRCh37 (hg19) VCF-style: chr22-24717412-G-A.
Other names: c.464G>A, p.Arg155His (NM_001145468.4, NM_001254732.3); short protein forms R155H.
Identifiers: ClinVar variation 2970275 (VCV002970275.3), dbSNP rs193920978, ClinGen allele CA322647325.

ClinVar aggregate classification (germline): Uncertain significance (1 of 4 stars; one submission).

Allele frequency attached by ClinVar (database versions not stated): TOPMed below 0.00001.
gnomAD v4.1: 3 of 1,614,244 alleles (0.00019%); highest among the groups gnomAD compares: East Asian, 0.0022%; no homozygotes.

Submission:

Labcorp Genetics (formerly Invitae), Labcorp
Classification: Uncertain significance. Last evaluated: 2024-03-18. Review status: criteria provided, single submitter. Criteria: Invitae Variant Classification Sherloc (09022015). Collection method: clinical testing. Allele origin: germline.
Comment: This sequence change replaces arginine, which is basic and polar, with histidine, which is basic and polar, at codon 155 of the SPECC1L protein (p.Arg155His). This variant is not present in population databases (gnomAD no frequency). This variant has not been reported in the literature in individuals affected with SPECC1L-related conditions. An algorithm developed to predict the effect of missense changes on protein structure and function (PolyPhen-2) suggests that this variant is likely to be disruptive. In summary, the available evidence is currently insufficient to determine the role of this variant in disease. Therefore, it has been classified as a Variant of Uncertain Significance.